The following is an entry in ClinVar:

ClinVar aggregate classification (germline): Uncertain significance. Review status: criteria provided, multiple submitters, no conflicts (2 of 4 stars). 3 submissions from 3 submitters: Uncertain significance (3). Last evaluated 2025-11-10.

Conditions:
Pfeiffer syndrome (ACS5). Also called: ACS V. Identifiers: Orphanet 710, MedGen C0220658, MONDO:0007043, OMIM 101600.
Hartsfield-Bixler-Demyer syndrome (HRTFDS). Also called: Holoprosencephaly, ectrodactyly, and bilateral cleft lip/palate; Hartsfield syndrome; FGFR1-Related Hartsfield Syndrome. Identifiers: Orphanet 2117, MedGen C1845146, MONDO:0014196, OMIM 615465. Disease mechanism: loss of function.
Trigonocephaly 1 (TRIGNO1). Identifiers: Orphanet 3366, MedGen C0432122, MONDO:0008603, OMIM 190440.
Hypogonadotropic hypogonadism 2 with or without anosmia (HH2). Also called: HYPOGONADOTROPIC HYPOGONADISM 2 WITHOUT ANOSMIA; HYPOGONADOTROPIC HYPOGONADISM 2 WITH OR WITHOUT ANOSMIA, SUSCEPTIBILITY TO; HYPOGONADOTROPIC HYPOGONADISM 2 WITHOUT ANOSMIA, SUSCEPTIBILITY TO; FGFR1-Related GnRH Deficiency (Kallmann Syndrome 2). Identifiers: Orphanet 478, MedGen C1563720, MONDO:0007844, OMIM 147950. Disease mechanism: loss of function.
Jackson-Weiss syndrome (JWS). Also called: CRANIOSYNOSTOSIS, MIDFACIAL HYPOPLASIA, AND FOOT ABNORMALITIES. Identifiers: Orphanet 1540, MedGen C0795998, MONDO:0007400, OMIM 123150. Disease mechanism: loss of function.
Osteoglophonic dysplasia (OGD). Also called: Osteoglophonic dwarfism. Identifiers: Orphanet 2645, MedGen C0432283, MONDO:0008150, OMIM 166250.
Encephalocraniocutaneous lipomatosis (ECCL). Identifiers: Orphanet 2396, MedGen C0406612, MONDO:0013074, OMIM 613001.

Allele frequency attached by ClinVar (database versions not stated): TOPMed below 0.00001; ExAC 0.00001; gnomAD exomes 0.00001 and 0.00002.
gnomAD v4.1: 22 of 1,614,112 alleles (0.0014%); highest among the groups gnomAD compares: East Asian, 0.0022%; no homozygotes.

Submissions (3):

Women's Health and Genetics/Laboratory Corporation of America, LabCorp
Classification: Uncertain significance. Last evaluated: 2025-11-10. Review status: criteria provided, single submitter. Criteria: LabCorp Variant Classification Summary - May 2015. Collection method: clinical testing. Allele origin: germline.
Comment: Variant summary: FGFR1 c.1072G>A (p.Val358Ile) results in a conservative amino acid change in the encoded protein sequence. Algorithms developed to predict the effect of missense changes on protein structure and function are either unavailable or do not agree on the potential impact of this missense change. The variant allele was found at a frequency of 1.2e-05 in 249778 control chromosomes. The available data on variant occurrences in the general population are insufficient to allow any conclusion about variant significance. To our knowledge, no occurrence of c.1072G>A in individuals affected with FGFR1-related conditions and no experimental evidence demonstrating its impact on protein function have been reported. ClinVar contains an entry for this variant (Variation ID: 1041985). Based on the evidence outlined above, the variant was classified as uncertain significance.

Labcorp Genetics (formerly Invitae), Labcorp
Classification: Uncertain significance for Pfeiffer syndrome; Hypogonadotropic hypogonadism 2 with or without anosmia. Last evaluated: 2022-07-05. Review status: criteria provided, single submitter. Criteria: Invitae Variant Classification Sherloc (09022015). Collection method: clinical testing. Allele origin: germline.
Comment: In summary, the available evidence is currently insufficient to determine the role of this variant in disease. Therefore, it has been classified as a Variant of Uncertain Significance. Algorithms developed to predict the effect of missense changes on protein structure and function (SIFT, PolyPhen-2, Align-GVGD) all suggest that this variant is likely to be disruptive. ClinVar contains an entry for this variant (Variation ID: 1041985). This variant has not been reported in the literature in individuals affected with FGFR1-related conditions. This variant is present in population databases (rs774768179, gnomAD 0.004%). This sequence change replaces valine, which is neutral and non-polar, with isoleucine, which is neutral and non-polar, at codon 358 of the FGFR1 protein (p.Val358Ile).

Fulgent Genetics
Classification: Uncertain significance for Pfeiffer syndrome; Jackson-Weiss syndrome; Hypogonadotropic hypogonadism 2 with or without anosmia; Osteoglophonic dysplasia; Trigonocephaly 1; Encephalocraniocutaneous lipomatosis; Hartsfield-Bixler-Demyer syndrome. Last evaluated: 2022-03-04. Review status: criteria provided, single submitter. Criteria: ACMG Guidelines, 2015. Collection method: clinical testing. Allele origin: unknown.

NM_023110.3(FGFR1):c.1072G>A (p.Val358Ile)

Gene: FGFR1 (fibroblast growth factor receptor 1; minus strand). Cytogenetic location: 8p11.23.
Variant type: single nucleotide variant.
Coding change: c.1072G>A on transcript NM_023110.3 (MANE Select); coding-DNA position 1072, G replaced by A.
Protein change: p.Val358Ile; replaces valine 358 with isoleucine.
Molecular consequence: missense variant.
Genome position (GRCh38, 1-based): chr8:38,421,806, C>T on the plus strand (G>A on the coding strand, the complement: FGFR1 is on the minus strand). VCF-style: chr8-38421806-C-T. GRCh37 (hg19) VCF-style: chr8-38279324-C-T.
Other names: c.1072G>A, p.Val358Ile (NM_001174063.2); c.1048G>A, p.Val350Ile (NM_001174064.2); c.1165G>A, p.Val389Ile (NM_001174067.2); c.1066G>A, p.Val356Ile (NM_001354367.2, NM_001174065.2, NM_001354369.2 and 1 more transcripts); c.805G>A, p.Val269Ile (NM_001174066.2, NM_023105.3); c.799G>A, p.Val267Ile (NM_001354368.2, NM_001354370.2, NM_023106.3); short protein forms V350I, V389I, V269I, V356I, V267I, V358I.
Identifiers: ClinVar variation 1041985 (VCV001041985.7), dbSNP rs774768179, ClinGen allele CA4718537.